The following is an entry in ClinVar:

ClinVar aggregate classification (germline): Pathogenic (1 of 4 stars; one submission).

Submission:

Labcorp Genetics (formerly Invitae), Labcorp
Classification: Pathogenic. Last evaluated: 2021-09-14. Review status: criteria provided, single submitter. Criteria: Invitae Variant Classification Sherloc (09022015). Collection method: clinical testing. Allele origin: germline.
Comment: This sequence change creates a premature translational stop signal (p.Thr192Argfs*5) in the ARMC9 gene. It is expected to result in an absent or disrupted protein product. Loss-of-function variants in ARMC9 are known to be pathogenic (PMID: 28625504). This variant is not present in population databases (ExAC no frequency). This variant has not been reported in the literature in individuals affected with ARMC9-related conditions. For these reasons, this variant has been classified as Pathogenic.

Literature cited by the submitters: PubMed 28625504.

NM_001352754.2(ARMC9):c.574del (p.Thr192fs)

Gene: ARMC9 (armadillo repeat containing 9; plus strand). Cytogenetic location: 2q37.1.
Variant type: Deletion.
Coding change: c.574del on transcript NM_001352754.2 (MANE Select); coding-DNA position 574, one base deleted (A; older notation c.574delA).
Protein change: p.Thr192fs; shifts the reading frame from threonine 192.
Molecular consequence: frameshift variant. On other transcripts: non-coding transcript variant (1).
Genome position (GRCh38, 1-based): chr2:231,222,797, A deleted. VCF-style (leftmost placement, unchanged base first): chr2-231222796-CA-C. GRCh37 (hg19) VCF-style: chr2-232087509-CA-C.
Other names: c.574del, p.Thr192fs (NM_001271466.4, NM_001291656.2, NM_001352755.2 and 5 more transcripts); short protein forms T192fs.
Identifiers: ClinVar variation 1397129 (VCV001397129.6), dbSNP rs2125334326, ClinGen allele CA2573135428.
Genomic context (GRCh38, chr2:231,222,796, plus strand): 5'-GACTCCAGAGTTAAAGTTGAAGTTGATAAAGTTTCTAGCTTTAATATCTAAAGCCAGCAA[CA>C]CGCCAAAGCTTTTAACAATATATGTATCCTTTTGAAGCAAATAGAGACCACCTATGGTTT-3'